The following is an entry in ClinVar:

ClinVar aggregate classification (germline): Uncertain significance (1 of 4 stars; one submission).

Conditions:
Carney complex, type 1 (CNC1). Also called: CARNEY MYXOMA-ENDOCRINE COMPLEX; CARNEY COMPLEX, TYPE I. Identifiers: Orphanet 1359, MedGen C2607929, MONDO:0008057, OMIM 160980.

Allele frequency attached by ClinVar (database versions not stated): gnomAD exomes below 0.00001; ExAC 0.00001.
gnomAD v4.1: 4 of 1,613,606 alleles (0.00025%); highest among the groups gnomAD compares: Non-Finnish European, 0.00034%; no homozygotes.

Submission:

Labcorp Genetics (formerly Invitae), Labcorp
Classification: Uncertain significance for Carney complex, type 1. Last evaluated: 2020-12-04. Review status: criteria provided, single submitter. Criteria: Invitae Variant Classification Sherloc (09022015). Collection method: clinical testing. Allele origin: germline.
Comment: This variant is present in population databases (rs760726941, ExAC 0.002%) but has not been reported in the literature in individuals with a PRKAR1A-related disease. This sequence change replaces alanine with serine at codon 29 of the PRKAR1A protein (p.Ala29Ser). The alanine residue is moderately conserved and there is a moderate physicochemical difference between alanine and serine. Algorithms developed to predict the effect of missense changes on protein structure and function (SIFT, PolyPhen-2, Align-GVGD) all suggest that this variant is likely to be tolerated, but these predictions have not been confirmed by published functional studies. In summary, this variant is a rare missense change that is not predicted to affect protein function. There is no indication that it causes disease, but the available evidence is currently insufficient to prove that conclusively. Therefore, it has been classified as a Variant of Uncertain Significance.

NM_002734.5(PRKAR1A):c.85G>T (p.Ala29Ser)

Gene: PRKAR1A (protein kinase cAMP-dependent type I regulatory subunit alpha; plus strand). Cytogenetic location: 17q24.2.
Variant type: single nucleotide variant.
Coding change: c.85G>T on transcript NM_002734.5 (MANE Select); coding-DNA position 85, G replaced by T.
Protein change: p.Ala29Ser; replaces alanine 29 with serine.
Molecular consequence: missense variant.
Genome position (GRCh38, 1-based): chr17:68,515,484, G>T. VCF-style: chr17-68515484-G-T. GRCh37 (hg19) VCF-style: chr17-66511625-G-T.
Other names: c.85G>T, p.Ala29Ser (NM_001276289.2, NM_001276290.1, NM_001278433.2 and 4 more transcripts); short protein forms A29S.
Identifiers: ClinVar variation 469077 (VCV000469077.10), dbSNP rs760726941, ClinGen allele CA8729154.
Genomic context (GRCh38, chr17:68,515,484, plus strand): 5'-AGTGAGGAGGCACGCAGCCTTCGAGAATGTGAGCTCTACGTCCAGAAGCATAACATTCAA[G>T]CGCTGCTCAAAGATTCTATTGTGCAGTTGTGCACTGCTCGACCTGAGAGACCCATGGCAT-3'
Protein context (NP_002725.1, residues 19-39): ELYVQKHNIQ[Ala29Ser]LLKDSIVQLC